The following is an entry in ClinVar:

ClinVar aggregate classification (germline): Benign/Likely benign. Review status: criteria provided, multiple submitters, no conflicts (2 of 4 stars). 11 submissions from 11 submitters: Benign (5); Likely benign (3). 3 of the submissions do not count toward it. Last evaluated 2026-02-03.

Conditions:
KDM5C-related disorder. Also called: KDM5C-related condition.
Inborn genetic diseases. Identifiers: MedGen C0950123, MeSH D030342.
Spastic paraplegia. Identifiers: MedGen C0037772, HP:0001258.

Allele frequency attached by ClinVar (database versions not stated): 1000 Genomes Project 30x 0.00083; 1000 Genomes Project 0.00106; gnomAD exomes 0.00266 and 0.00368; TOPMed 0.00268; gnomAD 0.00287 and 0.00293; ESP Exome Variant Server 0.00303; ExAC 0.00308.
gnomAD v4.1: 4,311 of 1,210,364 alleles (0.36%); highest among the groups gnomAD compares: Non-Finnish European, 0.43%; 10 homozygotes.

Submissions (11):

Labcorp Genetics (formerly Invitae), Labcorp
Classification: Benign for Spastic paraplegia. Last evaluated: 2026-02-03. Review status: criteria provided, single submitter. Criteria: Invitae Variant Classification Sherloc (09022015). Collection method: clinical testing. Allele origin: germline.

Mayo Clinic Laboratories, Mayo Clinic
Classification: Benign. Last evaluated: 2025-04-15. Review status: criteria provided, single submitter. Criteria: ACMG Guidelines, 2015. Collection method: clinical testing. Allele origin: germline. Observed: 3 variant alleles.
Comment: BS1, BS2, BP4, BP7

Blueprint Genetics
Classification: Likely benign. Last evaluated: 2024-11-27. Review status: criteria provided, single submitter. Criteria: ACMG Guidelines, 2015. Collection method: clinical testing. Allele origin: germline.

GeneDx
Classification: Benign. Last evaluated: 2019-03-14. Review status: criteria provided, single submitter. Criteria: GeneDx Variant Classification Process June 2021. Collection method: clinical testing. Allele origin: germline. Affected: yes.
Comment: This variant is associated with the following publications: (PMID: 19377476, 24583395)

Ambry Genetics
Classification: Likely benign for Inborn genetic diseases. Last evaluated: 2016-06-16. Review status: criteria provided, single submitter. Criteria: Ambry Variant Classification Scheme 2023. Collection method: clinical testing. Allele origin: germline.

Genetic Services Laboratory, University of Chicago
Classification: Benign. Last evaluated: 2016-03-04. Review status: criteria provided, single submitter. Criteria: ACMG Guidelines, 2015. Collection method: clinical testing. Allele origin: germline. Affected: no.

Eurofins Ntd Llc (ga)
Classification: Benign. Last evaluated: 2014-03-24. Review status: criteria provided, single submitter. Criteria: EGL Classification Definitions 2015. Collection method: clinical testing. Allele origin: germline. Observed: 1 variant allele, 1 heterozygote.

Breakthrough Genomics
Classification: Likely benign. Review status: criteria provided, single submitter. Criteria: ACMG Guidelines, 2015. Collection method: not provided. Allele origin: germline. Inheritance: X-linked inheritance. Affected: yes.

PreventionGenetics, part of Exact Sciences
Classification: Benign for KDM5C-related condition. Last evaluated: 2019-09-19. Review status: no assertion criteria provided. Collection method: clinical testing. Allele origin: germline. Not counted in ClinVar's aggregate classification.
Comment: This variant is classified as benign based on ACMG/AMP sequence variant interpretation guidelines (Richards et al. 2015 PMID: 25741868, with internal and published modifications).

Clinical Genetics DNA and cytogenetics Diagnostics Lab, Erasmus MC, Erasmus Medical Center
Classification: Benign. Review status: no assertion criteria provided. Collection method: clinical testing. Allele origin: germline. Affected: yes. Study: VKGL Data-share Consensus. Not counted in ClinVar's aggregate classification.

Genome Diagnostics Laboratory, University Medical Center Utrecht
Classification: Likely benign. Review status: no assertion criteria provided. Collection method: clinical testing. Allele origin: germline. Affected: yes. Study: VKGL Data-share Consensus. Not counted in ClinVar's aggregate classification.

Literature cited by the submitters: PubMed 24583395 (cited by Ambry Genetics).

NM_004187.5(KDM5C):c.1764G>A (p.Gln588=)

Gene: KDM5C (lysine demethylase 5C; minus strand). Cytogenetic location: Xp11.22.
Variant type: single nucleotide variant.
Coding change: c.1764G>A on transcript NM_004187.5 (MANE Select); coding-DNA position 1764, G replaced by A.
Protein change: p.Gln588=; no amino-acid change (glutamine 588 retained).
Molecular consequence: synonymous variant. On other transcripts: non-coding transcript variant (3).
Genome position (GRCh38, 1-based): chrX:53,201,956, C>T on the plus strand (G>A on the coding strand, the complement: KDM5C is on the minus strand). VCF-style: chrX-53201956-C-T. GRCh37 (hg19) VCF-style: chrX-53231138-C-T.
Other names: p.Gln588=; c.1563G>A, p.Gln521= (NM_001146702.2); c.1761G>A, p.Gln587= (NM_001282622.3, NM_001353979.2, NM_001353982.2); c.1764G>A, p.Gln588= (NM_001353978.3, NM_001353981.2, NM_001353984.2); c.1764G>A (NM_004187.4).
Identifiers: ClinVar variation 166871 (VCV000166871.31), dbSNP rs61733871, ClinGen allele CA179878.